The following is an entry in ClinVar:

NM_001735.3(C5):c.698C>T (p.Pro233Leu)

Gene: C5 (complement C5; minus strand). Cytogenetic location: 9q33.2.
Variant type: single nucleotide variant.
Coding change: c.698C>T on transcript NM_001735.3 (MANE Select); coding-DNA position 698, C replaced by T.
Protein change: p.Pro233Leu; replaces proline 233 with leucine.
Molecular consequence: missense variant.
Genome position (GRCh38, 1-based): chr9:121,030,457, G>A on the plus strand (C>T on the coding strand, the complement: C5 is on the minus strand). VCF-style: chr9-121030457-G-A. GRCh37 (hg19) VCF-style: chr9-123792735-G-A.
Other names: c.716C>T, p.Pro239Leu (NM_001317163.2); c.698C>T, p.Pro233Leu (NM_001317164.2); short protein forms P239L, P233L.
Identifiers: ClinVar variation 1437351 (VCV001437351.9), dbSNP rs531284110, ClinGen allele CA5218301.

ClinVar aggregate classification (germline): Uncertain significance. Review status: criteria provided, multiple submitters, no conflicts (2 of 4 stars). 2 submissions from 2 submitters: Uncertain significance (2). Last evaluated 2022-03-08.

Conditions:
Eculizumab, poor response to. Identifiers: MedGen C3810402, OMIM 615749.
Complement component 5 deficiency. Also called: C5 DEFICIENCY. Identifiers: MedGen C0343047, MONDO:0012295, OMIM 609536.

Allele frequency attached by ClinVar (database versions not stated): TOPMed below 0.00001; gnomAD 0.00001; gnomAD exomes 0.00002; ExAC 0.00009; 1000 Genomes Project 30x 0.00016; 1000 Genomes Project 0.00020.
gnomAD v4.1: 31 of 1,548,142 alleles (0.002%); highest among the groups gnomAD compares: African/African-American, 0.0027%; no homozygotes.

Submissions (2):

Fulgent Genetics
Classification: Uncertain significance for Complement component 5 deficiency; Eculizumab, poor response to. Last evaluated: 2022-03-08. Review status: criteria provided, single submitter. Criteria: ACMG Guidelines, 2015. Collection method: clinical testing. Allele origin: unknown.

Labcorp Genetics (formerly Invitae), Labcorp
Classification: Uncertain significance. Last evaluated: 2021-02-17. Review status: criteria provided, single submitter. Criteria: Invitae Variant Classification Sherloc (09022015). Collection method: clinical testing. Allele origin: germline.
Comment: This sequence change replaces proline with leucine at codon 233 of the C5 protein (p.Pro233Leu). The proline residue is moderately conserved and there is a moderate physicochemical difference between proline and leucine. This variant is present in population databases (rs531284110, ExAC 0.02%). This variant has not been reported in the literature in individuals with C5-related conditions. Algorithms developed to predict the effect of missense changes on protein structure and function (SIFT, PolyPhen-2, Align-GVGD) all suggest that this variant is likely to be tolerated, but these predictions have not been confirmed by published functional studies and their clinical significance is uncertain. In summary, the available evidence is currently insufficient to determine the role of this variant in disease. Therefore, it has been classified as a Variant of Uncertain Significance.